The following is an entry in ClinVar:

ClinVar aggregate classification (germline): Uncertain significance (1 of 4 stars; one submission).

gnomAD v4.1: 16 of 1,613,518 alleles (0.00099%); highest among the groups gnomAD compares: African/African-American, 0.0013%; no homozygotes.

Submission:

GeneDx
Classification: Uncertain significance. Last evaluated: 2026-03-31. Review status: criteria provided, single submitter. Criteria: GeneDx Variant Classification Process June 2021. Collection method: clinical testing. Allele origin: germline.
Comment: Not observed at significant frequency in large population cohorts (gnomAD); In silico analysis suggests that this missense variant does not alter protein structure/function; Has not been previously published as pathogenic or benign to our knowledge

NM_001080517.3(SETD5):c.3907G>T (p.Ala1303Ser)

Gene: SETD5 (SET domain containing 5; plus strand). Cytogenetic location: 3p25.3.
Variant type: single nucleotide variant.
Coding change: c.3907G>T on transcript NM_001080517.3 (MANE Select); coding-DNA position 3907, G replaced by T.
Protein change: p.Ala1303Ser; replaces alanine 1303 with serine.
Molecular consequence: missense variant.
Genome position (GRCh38, 1-based): chr3:9,475,669, G>T. VCF-style: chr3-9475669-G-T. GRCh37 (hg19) VCF-style: chr3-9517353-G-T.
Other names: c.3613G>T, p.Ala1205Ser (NM_001292043.2, NM_001349451.2); c.4003G>T, p.Ala1335Ser (NM_001437633.1); c.4021G>T, p.Ala1341Ser (NM_001437635.1); c.3964G>T, p.Ala1322Ser (NM_001437643.1); c.3946G>T, p.Ala1316Ser (NM_001437701.1); short protein forms A1205S, A1303S, A1316S, A1322S, A1335S, A1341S.
Identifiers: ClinVar variation 5016804 (VCV005016804.1).